The following is an entry in ClinVar:

ClinVar aggregate classification (germline): Likely benign. Review status: criteria provided, single submitter (1 of 4 stars). 2 submissions from 2 submitters: Likely benign (1). 1 of the submissions does not count toward it. Last evaluated 2024-12-31.

Conditions:
DOCK2 deficiency. Also called: Immunodeficiency 40. Identifiers: Orphanet 447737, MedGen C4225328, MONDO:0014637, OMIM 616433.
DOCK2-related disorder. Also called: DOCK2-related condition.

Allele frequency attached by ClinVar (database versions not stated): ExAC 0.00002; gnomAD 0.00002; gnomAD exomes 0.00002; TOPMed 0.00005.
gnomAD v4.1: 32 of 1,612,750 alleles (0.002%); highest among the groups gnomAD compares: Non-Finnish European, 0.0024%; no homozygotes.

Submissions (2):

Labcorp Genetics (formerly Invitae), Labcorp
Classification: Likely benign for DOCK2 deficiency. Last evaluated: 2024-12-31. Review status: criteria provided, single submitter. Criteria: Invitae Variant Classification Sherloc (09022015). Collection method: clinical testing. Allele origin: germline.

PreventionGenetics, part of Exact Sciences
Classification: Likely benign for DOCK2-related condition. Last evaluated: 2023-05-02. Review status: no assertion criteria provided. Collection method: clinical testing. Allele origin: germline. Not counted in ClinVar's aggregate classification.
Comment: This variant is classified as likely benign based on ACMG/AMP sequence variant interpretation guidelines (Richards et al. 2015 PMID: 25741868, with internal and published modifications).

NM_004946.3(DOCK2):c.4449G>A (p.Glu1483=)

Gene: DOCK2 (dedicator of cytokinesis 2; plus strand). Cytogenetic location: 5q35.1.
Variant type: single nucleotide variant.
Coding change: c.4449G>A on transcript NM_004946.3 (MANE Select); coding-DNA position 4449, G replaced by A.
Protein change: p.Glu1483=; no amino-acid change (glutamic acid 1483 retained).
Molecular consequence: synonymous variant. On other transcripts: non-coding transcript variant (1).
Genome position (GRCh38, 1-based): chr5:170,057,648, G>A. VCF-style: chr5-170057648-G-A. GRCh37 (hg19) VCF-style: chr5-169484652-G-A.
Identifiers: ClinVar variation 3045113 (VCV003045113.4), dbSNP rs762157854, ClinGen allele CA3554553.